The following is an entry in ClinVar:

ClinVar aggregate classification (germline): Uncertain significance. Review status: criteria provided, multiple submitters, no conflicts (2 of 4 stars). 2 submissions from 2 submitters: Uncertain significance (2). Last evaluated 2025-05-27.

gnomAD v4.1: 18 of 1,611,552 alleles (0.0011%); highest among the groups gnomAD compares: African/African-American, 0.0013%; no homozygotes.

Submissions (2):

Women's Health and Genetics/Laboratory Corporation of America, LabCorp
Classification: Uncertain significance. Last evaluated: 2025-05-27. Review status: criteria provided, single submitter. Criteria: LabCorp Variant Classification Summary - May 2015. Collection method: clinical testing. Allele origin: germline.
Comment: Variant summary: AEBP1 c.751C>T (p.Arg251Trp) results in a non-conservative amino acid change in the encoded protein sequence. Algorithms developed to predict the effect of missense changes on protein structure and function are either unavailable or do not agree on the potential impact of this missense change. The variant allele was found at a frequency of 1.2e-05 in 247132 control chromosomes. The available data on variant occurrences in the general population are insufficient to allow any conclusion about variant significance. To our knowledge, no occurrence of c.751C>T in individuals affected with Ehlers-Danlos syndrome, classic-like, 2 and no experimental evidence demonstrating its impact on protein function have been reported. ClinVar contains an entry for this variant (Variation ID: 3379755). Based on the evidence outlined above, the variant was classified as uncertain significance.

Mayo Clinic Laboratories, Mayo Clinic
Classification: Uncertain significance. Last evaluated: 2023-09-15. Review status: criteria provided, single submitter. Criteria: ACMG Guidelines, 2015. Collection method: clinical testing. Allele origin: germline. Observed: 1 variant allele.
Comment: BP4

NM_001129.5(AEBP1):c.751C>T (p.Arg251Trp)

Gene: AEBP1 (AE binding protein 1; plus strand). Cytogenetic location: 7p13.
Variant type: single nucleotide variant.
Coding change: c.751C>T on transcript NM_001129.5 (MANE Select); coding-DNA position 751, C replaced by T.
Protein change: p.Arg251Trp; replaces arginine 251 with tryptophan.
Molecular consequence: missense variant.
Genome position (GRCh38, 1-based): chr7:44,107,820, C>T. VCF-style: chr7-44107820-C-T. GRCh37 (hg19) VCF-style: chr7-44147419-C-T.
Other names: p.Arg251Trp; short protein forms R251W.
Identifiers: ClinVar variation 3379755 (VCV003379755.2).
Genomic context (GRCh38, chr7:44,107,820, plus strand): 5'-TGGGCCCATCCCAGCCTTGGGCCCCACTCTGAGCCAGCCTCCCCCTCAGTTGAGTACATT[C>T]GGCGCCAGAAGCAACCCAGGCCACCCCCAAGCAGAAGGAGGAGGCCCGAGCGGGTCTGGC-3'
Protein context (NP_001120.3, residues 241-261): REDYEDFEYI[Arg251Trp]RQKQPRPPPS